The following is an entry in ClinVar:

NM_004184.4(WARS1):c.770A>G (p.His257Arg)

Gene: WARS1 (tryptophanyl-tRNA synthetase 1; minus strand). Cytogenetic location: 14q32.2.
Variant type: single nucleotide variant.
Coding change: c.770A>G on transcript NM_004184.4 (MANE Select); coding-DNA position 770, A replaced by G.
Protein change: p.His257Arg; replaces histidine 257 with arginine.
Molecular consequence: missense variant.
Genome position (GRCh38, 1-based): chr14:100,346,802, T>C on the plus strand (A>G on the coding strand, the complement: WARS1 is on the minus strand). VCF-style: chr14-100346802-T-C. GRCh37 (hg19) VCF-style: chr14-100813139-T-C.
Other names: c.770A>G, p.His257Arg (NM_173701.2); c.647A>G, p.His216Arg (NM_213645.2, NM_213646.2); short protein forms H257R, H216R.
Identifiers: ClinVar variation 441278 (VCV000441278.9), dbSNP rs770003315, ClinGen allele CA390980398.

ClinVar aggregate classification (germline): Conflicting classifications of pathogenicity. Review status: criteria provided, conflicting classifications (1 of 4 stars). 3 submissions from 3 submitters: Pathogenic (1); Uncertain significance (1). 1 of the submissions does not count toward it. Last evaluated 2024-05-13.

Conditions:
Neuronopathy, distal hereditary motor, type 9. Also called: NEUROPATHY, DISTAL HEREDITARY MOTOR, TYPE IX; NEURONOPATHY, DISTAL HEREDITARY MOTOR, TYPE IX; NEURONOPATHY, DISTAL HEREDITARY MOTOR, AUTOSOMAL DOMINANT 9. Identifiers: MedGen C4540265, MONDO:0060585, OMIM 617721.

Submissions (3):

SIB Swiss Institute of Bioinformatics
Classification: Uncertain significance for Neuronopathy, distal hereditary motor, type 9. Last evaluated: 2024-05-13. Review status: criteria provided, single submitter. Criteria: ACMG Guidelines, 2015. Collection method: curation. Allele origin: unknown. Inheritance: Autosomal dominant inheritance.
Comment: This variant is interpreted as VUS for Neuronopathy, distal hereditary motor, 9, autosomal dominant. The following ACMG Tag(s) were applied: Absent from controls (or at extremely low frequency if recessive) in Exome Sequencing Project, 1000 Genomes Project, or Exome Aggregation Consortium (PM2_supporting); Cosegregation with disease in multiple affected family members (PP1_supporting); Prevalence in affected individuals statistically increased over controls (PS4 supporting); Well-established functional studies show a deleterious effect (PS3_supporting).

Centre for Mendelian Genomics, University Medical Centre Ljubljana
Classification: Pathogenic. Last evaluated: 2016-01-01. Review status: criteria provided, single submitter. Criteria: ACMG Guidelines, 2015. Collection method: clinical testing. Allele origin: unknown. Affected: yes.
Comment: This variant was classified as: Pathogenic. The following ACMG criteria were applied in classifying this variant: PS1,PS3,PM2,PP2.

OMIM
Classification: Pathogenic for NEURONOPATHY, DISTAL HEREDITARY MOTOR, AUTOSOMAL DOMINANT 9. Last evaluated: 2023-10-17. Review status: flagged submission. Collection method: literature only. Allele origin: germline. Not counted in ClinVar's aggregate classification.
ClinVar note: Notes: Flagging candidate with reason of insufficient supporting evidence. This gene has been classified as having a limited gene-disease relationship by a ClinGen Expert Panel.
ClinVar note: Reason: Other

Literature cited by the submitters: PubMed 28369220 (cited by SIB Swiss Institute of Bioinformatics and OMIM).